The following is an entry in ClinVar:

ClinVar aggregate classification (germline): Pathogenic (1 of 4 stars; one submission).

Conditions:
Hereditary nonpolyposis colorectal neoplasms. Identifiers: MedGen C0009405, MeSH D003123.

Submission:

Labcorp Genetics (formerly Invitae), Labcorp
Classification: Pathogenic for Hereditary nonpolyposis colorectal neoplasms. Last evaluated: 2024-07-01. Review status: criteria provided, single submitter. Criteria: Invitae Variant Classification Sherloc (09022015). Collection method: clinical testing. Allele origin: germline.
Comment: This sequence change creates a premature translational stop signal (p.Lys813Argfs*20) in the MSH6 gene. It is expected to result in an absent or disrupted protein product. Loss-of-function variants in MSH6 are known to be pathogenic (PMID: 18269114, 24362816). This variant is not present in population databases (gnomAD no frequency). This variant has not been reported in the literature in individuals affected with MSH6-related conditions. For these reasons, this variant has been classified as Pathogenic.

Literature cited by the submitters: PubMed 18269114; PubMed 24362816.

NM_000179.3(MSH6):c.2438del (p.Lys813fs)

Gene: MSH6 (mutS homolog 6; plus strand). Cytogenetic location: 2p16.3.
Variant type: Deletion.
Coding change: c.2438del on transcript NM_000179.3 (MANE Select); coding-DNA position 2438, one base deleted (A; older notation c.2438delA).
Protein change: p.Lys813fs; shifts the reading frame from lysine 813.
Molecular consequence: frameshift variant. On other transcripts: non-coding transcript variant (5), intron variant (3).
Genome position (GRCh38, 1-based): chr2:47,800,421, A deleted; the last of 3 consecutive A bases (chr2:47,800,419-47,800,421); deleting any one gives the same sequence. VCF-style (leftmost placement, unchanged base first): chr2-47800418-TA-T. GRCh37 (hg19) VCF-style: chr2-48027557-TA-T.
Other names: c.2048del, p.Lys683fs (NM_001281492.2); c.1532del, p.Lys511fs (NM_001281493.2, NM_001281494.2, NM_001406811.1 and 6 more transcripts); c.2534del, p.Lys845fs (NM_001406795.1, NM_001406802.1); c.2438del, p.Lys813fs (NM_001406796.1, NM_001406798.1, NM_001406800.1 and 2 more transcripts); c.2141del, p.Lys714fs (NM_001406797.1, NM_001406801.1, NM_001406805.1 and 10 more transcripts); c.1913del, p.Lys638fs (NM_001406799.1, NM_001406806.1, NM_001406807.1); c.2360del, p.Lys787fs (NM_001406804.1); c.2444del, p.Lys815fs (NM_001406813.1); and 4 more; short protein forms K511fs, K683fs, K845fs, K757fs, K813fs, K638fs, K714fs, K787fs.
Identifiers: ClinVar variation 3646926 (VCV003646926.2).